The following is an entry in ClinVar:

NM_201525.4(ADGRG1):c.407T>A (p.Leu136Ter)

Gene: ADGRG1 (adhesion G protein-coupled receptor G1; plus strand). Cytogenetic location: 16q21.
Variant type: single nucleotide variant.
Coding change: c.407T>A on transcript NM_201525.4 (MANE Select); coding-DNA position 407, T replaced by A.
Protein change: p.Leu136Ter; replaces leucine 136 with a stop codon.
Molecular consequence: nonsense. On other transcripts: 5 prime UTR variant (5), intron variant (1).
Genome position (GRCh38, 1-based): chr16:57,651,542, T>A. VCF-style: chr16-57651542-T-A. GRCh37 (hg19) VCF-style: chr16-57685454-T-A.
Other names: c.407T>A, p.Leu136Ter (NM_001145770.3, NM_001145771.3, NM_001145772.3 and 16 more transcripts); c.422T>A, p.Leu141Ter (NM_001145773.3, NM_001370433.1); c.-119T>A (NM_001290143.2, NM_001290144.2, NM_001370451.1 and 2 more transcripts); c.251T>A, p.Leu84Ter (NM_001370442.1); c.110+297T>A (NM_001290142.2); short protein forms L141*, L84*, L136*.
Identifiers: ClinVar variation 662811 (VCV000662811.10), dbSNP rs763238723, ClinGen allele CA8078353.

ClinVar aggregate classification (germline): Pathogenic/Likely pathogenic. Review status: criteria provided, multiple submitters, no conflicts (2 of 4 stars). 4 submissions from 4 submitters: Pathogenic (2); Likely pathogenic (2). Last evaluated 2025-04-17.

Conditions:
Bilateral frontoparietal polymicrogyria. Also called: CORTICAL DYSPLASIA, COMPLEX, WITH OTHER BRAIN MALFORMATIONS 14A (BILATERAL FRONTOPARIETAL); CEREBELLAR ATAXIA WITH NEURONAL MIGRATION DEFECT. Identifiers: Orphanet 101070, MedGen C1847352, MONDO:0011738, OMIM 606854.
Polymicrogyria, bilateral perisylvian, autosomal recessive (CDCBM14B). Also called: CORTICAL DYSPLASIA, COMPLEX, WITH OTHER BRAIN MALFORMATIONS 14B (BILATERAL PERISYLVIAN). Identifiers: MedGen C3810405, MONDO:0014333, OMIM 615752.

Allele frequency attached by ClinVar (database versions not stated): gnomAD exomes below 0.00001; ExAC 0.00001.
gnomAD v4.1: 1 of 1,614,214 alleles (0.000062%); highest among the groups gnomAD compares: Admixed American, 0.0017%; no homozygotes.

Submissions (4):

Natera, Inc.
Classification: Likely pathogenic for Bilateral frontoparietal polymicrogyria. Last evaluated: 2025-04-17. Review status: criteria provided, single submitter. Criteria: Natera Variant Classification Schema (03/2026). Collection method: clinical testing. Allele origin: germline.
Comment: The c.407T>A variant in ADGRG1 is a nonsense variant predicted to introduce a stop codon at amino acid 136. This variant is expected to result in nonsense mediated decay, truncation, or a dysfunctional protein product. This variant is rare in the general population with a frequency below the threshold expected for the associated phenotype(s). Given the available evidence, this variant is classified as Likely Pathogenic.

Victorian Clinical Genetics Services, Murdoch Childrens Research Institute
Classification: Pathogenic for Bilateral frontoparietal polymicrogyria. Last evaluated: 2024-11-25. Review status: criteria provided, single submitter. Criteria: ACMG Guidelines, 2015. Collection method: clinical testing. Allele origin: germline.
Comment: This variant is classified as Pathogenic. Evidence in support of pathogenic classification: Variant is predicted to cause nonsense-mediated decay (NMD) and loss of protein (premature termination codon is located at least 54 nucleotides upstream of the final exon-exon junction); Variant is present in gnomAD <0.01 for a recessive condition (v4: 1 heterozygote, 0 homozygotes); This variant has limited previous evidence of pathogenicity in an individual. This variant was classified as pathogenic by a clinical laboratory (ClinVar); Other NMD variants comparable to the one identified in this case have very strong previous evidence for pathogenicity (DECIPHER). Additional information: This variant is heterozygous; This gene is associated with autosomal recessive disease; No published segregation evidence has been identified for this variant; No published functional evidence has been identified for this variant; Loss of function is a known mechanism of disease in this gene and is associated with complex cortical dysplasia with other brain malformations 14A, (bilateral frontoparietal) (MIM#606854). Complex cortical dysplasia with other brain malformations 14B, (bilateral perisylvian) (MIM#615752) is also associated with this gene but is caused by a recurring 15bp deletion within a regulatory element (PMID: 24531968).

Fulgent Genetics
Classification: Likely pathogenic for Bilateral frontoparietal polymicrogyria; Polymicrogyria, bilateral perisylvian, autosomal recessive. Last evaluated: 2024-03-15. Review status: criteria provided, single submitter. Criteria: ACMG Guidelines, 2015. Collection method: clinical testing. Allele origin: germline.

Labcorp Genetics (formerly Invitae), Labcorp
Classification: Pathogenic. Last evaluated: 2023-09-17. Review status: criteria provided, single submitter. Criteria: Invitae Variant Classification Sherloc (09022015). Collection method: clinical testing. Allele origin: germline.
Comment: For these reasons, this variant has been classified as Pathogenic. ClinVar contains an entry for this variant (Variation ID: 662811). This variant has not been reported in the literature in individuals affected with ADGRG1-related conditions. This variant is present in population databases (rs763238723, gnomAD 0.003%). This sequence change creates a premature translational stop signal (p.Leu136*) in the ADGRG1 gene. It is expected to result in an absent or disrupted protein product. Loss-of-function variants in ADGRG1 are known to be pathogenic (PMID: 15044805, 20929962).

Literature cited by the submitters: PubMed 24531968 (cited by Victorian Clinical Genetics Services, Murdoch Childrens Research Institute); PubMed 15044805 (cited by Labcorp Genetics (formerly Invitae), Labcorp); PubMed 20929962 (cited by Labcorp Genetics (formerly Invitae), Labcorp).